The following is an entry in ClinVar:

ClinVar aggregate classification (germline): Uncertain significance (1 of 4 stars; one submission).

Submission:

Labcorp Genetics (formerly Invitae), Labcorp
Classification: Uncertain significance. Last evaluated: 2024-03-01. Review status: criteria provided, single submitter. Criteria: Invitae Variant Classification Sherloc (09022015). Collection method: clinical testing. Allele origin: germline.
Comment: This sequence change replaces valine, which is neutral and non-polar, with leucine, which is neutral and non-polar, at codon 228 of the PSMA3 protein (p.Val228Leu). This variant is not present in population databases (gnomAD no frequency). This variant has not been reported in the literature in individuals affected with PSMA3-related conditions. An algorithm developed to predict the effect of missense changes on protein structure and function (PolyPhen-2) suggests that this variant is likely to be tolerated. In summary, the available evidence is currently insufficient to determine the role of this variant in disease. Therefore, it has been classified as a Variant of Uncertain Significance.

NM_002788.4(PSMA3):c.682G>C (p.Val228Leu)

Genes: PSMA3 (proteasome 20S subunit alpha 3; plus strand), PSMA3-AS1 (PSMA3 antisense RNA 1; minus strand). Cytogenetic location: 14q23.1.
Variant type: single nucleotide variant.
Coding change: c.682G>C on transcript NM_002788.4 (MANE Select); coding-DNA position 682, G replaced by C.
Protein change: p.Val228Leu; replaces valine 228 with leucine.
Molecular consequence: missense variant. On other transcripts: non-coding transcript variant (1).
Genome position (GRCh38, 1-based): chr14:58,270,957, G>C. VCF-style: chr14-58270957-G-C. GRCh37 (hg19) VCF-style: chr14-58737675-G-C.
Other names: c.661G>C, p.Val221Leu (NM_152132.3); short protein forms V221L, V228L.
Identifiers: ClinVar variation 3643420 (VCV003643420.2).
Genomic context (GRCh38, chr14:58,270,957, plus strand): 5'-ATTTAAAATTCATTTACACATGTGGCTTAATTTACAGTAACTAATGGAAGACATGAAATT[G>C]TTCCAAAAGATATAAGAGAAGAAGCAGAGAAATATGCTAAGGTAAGCCACAGCACAAAAA-3'
Protein context (NP_002779.1, residues 218-238): GELTNGRHEI[Val228Leu]PKDIREEAEK